The following is an entry in ClinVar:

NM_007055.4(POLR3A):c.1771-3C>T

Gene: POLR3A (RNA polymerase III subunit A; minus strand). Cytogenetic location: 10q22.3.
Variant type: single nucleotide variant.
Coding change: c.1771-3C>T on transcript NM_007055.4 (MANE Select); 3 bases into the intron before coding-DNA position 1771, C replaced by T.
Molecular consequence: intron variant.
Genome position (GRCh38, 1-based): chr10:78,009,678, G>A on the plus strand (C>T on the coding strand, the complement: POLR3A is on the minus strand). VCF-style: chr10-78009678-G-A. GRCh37 (hg19) VCF-style: chr10-79769436-G-A.
Identifiers: ClinVar variation 1992624 (VCV001992624.4), dbSNP rs1564620061, ClinGen allele CA594710650.
Genomic context (GRCh38, chr10:78,009,678, plus strand): 5'-CATCGCTAGGCCTGAGGATGACACTGAAGATCTGCTTTCCCGTCCACAGGGTGACAGGCT[G>A]AGGGGGGGAGGAAGCCTGAGAGTCAGTGGGCTGAGCCTGGTCTCAATCCCCCTTCAGTAG-3'

ClinVar aggregate classification (germline): Uncertain significance (1 of 4 stars; one submission).

Allele frequency attached by ClinVar (database versions not stated): gnomAD exomes below 0.00001.
gnomAD v4.1: 2 of 1,614,144 alleles (0.00012%); highest among the groups gnomAD compares: Non-Finnish European, 0.00017%; no homozygotes.

Submission:

Labcorp Genetics (formerly Invitae), Labcorp
Classification: Uncertain significance. Last evaluated: 2022-05-10. Review status: criteria provided, single submitter. Criteria: Invitae Variant Classification Sherloc (09022015). Collection method: clinical testing. Allele origin: germline.
Comment: In summary, the available evidence is currently insufficient to determine the role of this variant in disease. Therefore, it has been classified as a Variant of Uncertain Significance. Variants that disrupt the consensus splice site are a relatively common cause of aberrant splicing (PMID: 17576681, 9536098). Algorithms developed to predict the effect of sequence changes on RNA splicing suggest that this variant is not likely to affect RNA splicing. This variant has not been reported in the literature in individuals affected with POLR3A-related conditions. This variant is present in population databases (no rsID available, gnomAD 0.0009%). This sequence change falls in intron 13 of the POLR3A gene. It does not directly change the encoded amino acid sequence of the POLR3A protein. It affects a nucleotide within the consensus splice site.

Literature cited by the submitters: PubMed 17576681; PubMed 9536098.